The following is an entry in ClinVar:

NM_020207.7(ERCC6L2):c.283C>G (p.Pro95Ala)

Gene: ERCC6L2 (ERCC excision repair 6 like 2; plus strand). Cytogenetic location: 9q22.32.
Variant type: single nucleotide variant.
Coding change: c.283C>G on transcript NM_020207.7 (MANE Select); coding-DNA position 283, C replaced by G.
Protein change: p.Pro95Ala; replaces proline 95 with alanine.
Molecular consequence: missense variant. On other transcripts: non-coding transcript variant (1).
Genome position (GRCh38, 1-based): chr9:95,881,105, C>G. VCF-style: chr9-95881105-C-G. GRCh37 (hg19) VCF-style: chr9-98643387-C-G.
Other names: c.283C>G, p.Pro95Ala (NM_001010895.4, NM_001375291.1, NM_001375292.1 and 2 more transcripts); c.316C>G (NM_001010895.2); short protein forms P95A.
Identifiers: ClinVar variation 1479907 (VCV001479907.6), dbSNP rs138730206, ClinGen allele CA5139262.

ClinVar aggregate classification (germline): Uncertain significance. Review status: criteria provided, multiple submitters, no conflicts (2 of 4 stars). 4 submissions from 4 submitters: Uncertain significance (4). Last evaluated 2025-06-19.

Conditions:
Inborn genetic diseases. Identifiers: MedGen C0950123, MeSH D030342.
Pancytopenia-developmental delay syndrome. Also called: Bone marrow failure syndrome 2. Identifiers: Orphanet 401764, MedGen C3810350, MONDO:0014317, OMIM 615715.

Allele frequency attached by ClinVar (database versions not stated): gnomAD 0.00006 and 0.00008; gnomAD exomes 0.00011 and 0.00019; ExAC 0.00013; TOPMed 0.00013; ESP Exome Variant Server 0.00015.
gnomAD v4.1: 283 of 1,613,118 alleles (0.018%); highest among the groups gnomAD compares: Non-Finnish European, 0.023%; no homozygotes.

Submissions (4):

ARUP Laboratories, Molecular Genetics and Genomics, ARUP Laboratories
Classification: Uncertain significance for Pancytopenia-developmental delay syndrome. Last evaluated: 2025-06-19. Review status: criteria provided, single submitter. Criteria: ARUP Molecular Germline Variant Investigation Process 2024. Collection method: clinical testing. Allele origin: germline.
Comment: The ERCC6L2 c.283C>G; p.Pro95Ala variant (rs138730206), to our knowledge, is not reported in the medical literature but is reported in ClinVar (Variation ID: 1479907). This variant is found in the non-Finnish European population with an allele frequency of 0.02% (28/128794 alleles) in the Genome Aggregation Database (v2.1.1). Computational analyses are uncertain whether this variant is neutral or deleterious (REVEL: 0.598). Due to limited information, the clinical significance of this variant is uncertain at this time.

Blueprint Genetics
Classification: Uncertain significance. Last evaluated: 2024-02-27. Review status: criteria provided, single submitter. Criteria: ACMG Guidelines, 2015. Collection method: clinical testing. Allele origin: germline.

Ambry Genetics
Classification: Uncertain significance for Inborn genetic diseases. Last evaluated: 2022-12-13. Review status: criteria provided, single submitter. Criteria: Ambry Variant Classification Scheme 2023. Collection method: clinical testing. Allele origin: germline.

Labcorp Genetics (formerly Invitae), Labcorp
Classification: Uncertain significance. Last evaluated: 2022-10-25. Review status: criteria provided, single submitter. Criteria: Invitae Variant Classification Sherloc (09022015). Collection method: clinical testing. Allele origin: germline.
Comment: This sequence change replaces proline, which is neutral and non-polar, with alanine, which is neutral and non-polar, at codon 106 of the ERCC6L2 protein (p.Pro106Ala). This variant is present in population databases (rs138730206, gnomAD 0.02%). This variant has not been reported in the literature in individuals affected with ERCC6L2-related conditions. ClinVar contains an entry for this variant (Variation ID: 1479907). Algorithms developed to predict the effect of missense changes on protein structure and function are either unavailable or do not agree on the potential impact of this missense change (SIFT: "Tolerated"; PolyPhen-2: "Not Available"; Align-GVGD: "Class C0"). In summary, the available evidence is currently insufficient to determine the role of this variant in disease. Therefore, it has been classified as a Variant of Uncertain Significance.